The following is an entry in ClinVar:

NM_001173467.3(SP7):c.1183C>T (p.Arg395Cys)

Gene: SP7 (Sp7 transcription factor; minus strand). Cytogenetic location: 12q13.13.
Variant type: single nucleotide variant.
Coding change: c.1183C>T on transcript NM_001173467.3 (MANE Select); coding-DNA position 1183, C replaced by T.
Protein change: p.Arg395Cys; replaces arginine 395 with cysteine.
Molecular consequence: missense variant.
Genome position (GRCh38, 1-based): chr12:53,328,259, G>A on the plus strand (C>T on the coding strand, the complement: SP7 is on the minus strand). VCF-style: chr12-53328259-G-A. GRCh37 (hg19) VCF-style: chr12-53722043-G-A.
Other names: c.1129C>T, p.Arg377Cys (NM_001300837.2); c.1183C>T, p.Arg395Cys (NM_152860.2); short protein forms R377C, R395C.
Identifiers: ClinVar variation 1983497 (VCV001983497.4), dbSNP rs756905984, ClinGen allele CA6599443.

ClinVar aggregate classification (germline): Uncertain significance. Review status: criteria provided, multiple submitters, no conflicts (2 of 4 stars). 2 submissions from 2 submitters: Uncertain significance (2). Last evaluated 2022-07-21.

Allele frequency attached by ClinVar (database versions not stated): gnomAD exomes 0.00001; ExAC 0.00002; TOPMed 0.00003; gnomAD 0.00006.
gnomAD v4.1: 28 of 1,611,690 alleles (0.0017%); highest among the groups gnomAD compares: Admixed American, 0.013%; no homozygotes.

Submissions (2):

Ambry Genetics
Classification: Uncertain significance. Last evaluated: 2022-07-21. Review status: criteria provided, single submitter. Criteria: Ambry Variant Classification Scheme 2023. Collection method: clinical testing. Allele origin: germline.

Labcorp Genetics (formerly Invitae), Labcorp
Classification: Uncertain significance. Last evaluated: 2022-04-17. Review status: criteria provided, single submitter. Criteria: Invitae Variant Classification Sherloc (09022015). Collection method: clinical testing. Allele origin: germline.
Comment: In summary, the available evidence is currently insufficient to determine the role of this variant in disease. Therefore, it has been classified as a Variant of Uncertain Significance. Algorithms developed to predict the effect of missense changes on protein structure and function are either unavailable or do not agree on the potential impact of this missense change (SIFT: "Deleterious"; PolyPhen-2: "Benign"; Align-GVGD: "Class C0"). This variant has not been reported in the literature in individuals affected with SP7-related conditions. This variant is present in population databases (rs756905984, gnomAD 0.01%). This sequence change replaces arginine, which is basic and polar, with cysteine, which is neutral and slightly polar, at codon 395 of the SP7 protein (p.Arg395Cys).